The following is an entry in ClinVar:

ClinVar aggregate classification (germline): Pathogenic (1 of 4 stars; one submission).

Submission:

Labcorp Genetics (formerly Invitae), Labcorp
Classification: Pathogenic. Last evaluated: 2025-09-26. Review status: criteria provided, single submitter. Criteria: Invitae Variant Classification Sherloc (09022015). Collection method: clinical testing. Allele origin: germline.
Comment: This sequence change creates a premature translational stop signal (p.Glu907*) in the CEP250 gene. It is expected to result in an absent or disrupted protein product. Loss-of-function variants in CEP250 are known to be pathogenic (PMID: 24780881, 29718797). This variant is not present in population databases (gnomAD no frequency). This variant has not been reported in the literature in individuals affected with CEP250-related conditions. Algorithms developed to predict the effect of sequence changes on RNA splicing suggest that this variant may disrupt the consensus splice site. For these reasons, this variant has been classified as Pathogenic.

Literature cited by the submitters: PubMed 24780881; PubMed 29718797.

NM_007186.6(CEP250):c.2719G>T (p.Glu907Ter)

Genes: CEP250 (centrosomal protein 250; plus strand), CEP250-AS1 (CEP250 antisense RNA 1; minus strand). Cytogenetic location: 20q11.22.
Variant type: single nucleotide variant.
Coding change: c.2719G>T on transcript NM_007186.6 (MANE Select); coding-DNA position 2719, G replaced by T.
Protein change: p.Glu907Ter; replaces glutamic acid 907 with a stop codon.
Molecular consequence: nonsense.
Genome position (GRCh38, 1-based): chr20:35,490,769, G>T. VCF-style: chr20-35490769-G-T. GRCh37 (hg19) VCF-style: chr20-34078595-G-T.
Other names: c.823G>T, p.Glu275Ter (NM_001318219.1); short protein forms E275*, E907*.
Identifiers: ClinVar variation 4721748 (VCV004721748.1).